The following is an entry in ClinVar:

ClinVar aggregate classification (germline): Conflicting classifications of pathogenicity. Review status: criteria provided, conflicting classifications (1 of 4 stars). 3 submissions from 3 submitters: Uncertain significance (1); Likely benign (2). Last evaluated 2026-09-15.

Conditions:
RASA2-related disorder. Also called: RASA2-related condition.

Allele frequency attached by ClinVar (database versions not stated): gnomAD exomes 0.00002 and 0.00007; gnomAD 0.00039 and 0.00043; TOPMed 0.00050; ExAC 0.00056.
gnomAD v4.1: 82 of 1,425,494 alleles (0.0058%); highest among the groups gnomAD compares: African/African-American, 0.11%; no homozygotes.

Submissions (3):

PreventionGenetics, part of Exact Sciences
Classification: Likely benign for RASA2-related condition. Last evaluated: 2026-09-15. Review status: criteria provided, single submitter. Criteria: ACMG Guidelines, 2015. Collection method: clinical testing. Allele origin: germline.
Comment: This variant is classified as likely benign based on ACMG/AMP sequence variant interpretation guidelines (Richards et al. 2015 PMID: 25741868, with internal and published modifications).

Labcorp Genetics (formerly Invitae), Labcorp
Classification: Uncertain significance. Last evaluated: 2025-12-16. Review status: criteria provided, single submitter. Criteria: Invitae Variant Classification Sherloc (09022015). Collection method: clinical testing. Allele origin: germline.
Comment: This sequence change replaces serine, which is neutral and polar, with alanine, which is neutral and non-polar, at codon 13 of the RASA2 protein (p.Ser13Ala). This variant is present in population databases (rs747843653, gnomAD 0.2%), and has an allele count higher than expected for a pathogenic variant. This variant has not been reported in the literature in individuals affected with RASA2-related conditions. ClinVar contains an entry for this variant (Variation ID: 1217253). Experimental studies and prediction algorithms are not available or were not evaluated, and the functional significance of this variant is currently unknown. In summary, the available evidence is currently insufficient to determine the role of this variant in disease. Therefore, it has been classified as a Variant of Uncertain Significance.

Women's Health and Genetics/Laboratory Corporation of America, LabCorp
Classification: Likely benign. Last evaluated: 2021-08-05. Review status: criteria provided, single submitter. Criteria: LabCorp Variant Classification Summary - May 2015. Collection method: clinical testing. Allele origin: germline.
Comment: Variant summary: RASA2 c.37T>G (p.Ser13Ala) results in a conservative amino acid change in the encoded protein sequence. Five of five in-silico tools predict a benign effect of the variant on protein function. The variant allele was found at a frequency of 0.00038 in 149764 control chromosomes, predominantly at a frequency of 0.0014 within the African or African-American subpopulation in the gnomAD database (v3.1 whole genomes data set). The observed variant frequency within African or African-American control individuals in the gnomAD database is approximately 280 fold of the estimated maximal expected allele frequency for a pathogenic variant in RASA2 causing Noonan Syndrome phenotype (5e-06), strongly suggesting that the variant is a benign polymorphism found primarily in populations of African or African-American origin. To our knowledge, no occurrence of c.37T>G in individuals affected with Noonan Syndrome and no experimental evidence demonstrating its impact on protein function have been reported. No clinical diagnostic laboratories have submitted clinical-significance assessments for this variant to ClinVar after 2014. Based on the evidence outlined above, the variant was classified as likely benign.

NM_006506.5(RASA2):c.37T>G (p.Ser13Ala)

Genes: RASA2 (RAS p21 protein activator 2; plus strand), LOC129937686 (ATAC-STARR-seq lymphoblastoid silent region 14777; plus strand). Cytogenetic location: 3q23.
Variant type: single nucleotide variant.
Coding change: c.37T>G on transcript NM_006506.5 (MANE Select); coding-DNA position 37, T replaced by G.
Protein change: p.Ser13Ala; replaces serine 13 with alanine.
Molecular consequence: missense variant.
Genome position (GRCh38, 1-based): chr3:141,487,120, T>G. VCF-style: chr3-141487120-T-G. GRCh37 (hg19) VCF-style: chr3-141205962-T-G.
Other names: c.37T>G, p.Ser13Ala (NM_001303245.3, NM_001303246.3); c.37T>G (NM_001303246.1); short protein forms S13A.
Identifiers: ClinVar variation 1217253 (VCV001217253.8), dbSNP rs747843653, ClinGen allele CA2645075.
Genomic context (GRCh38, chr3:141,487,120, plus strand): 5'-CTGCGGCACGGGCCGGGCGGCACCATGGCGGCGGCGGCGCCTGCTGCTGCGGCGGCTTCT[T>G]CCGAGGCGCCAGCGGCGAGTGCGACTGCAGAGCCCGAGGCCGGGGACCAGGACAGTCGCG-3'
Protein context (NP_006497.2, residues 3-23): AAAPAAAAAS[Ser13Ala]EAPAASATAE